The following is an entry in ClinVar:

ClinVar aggregate classification (germline): Uncertain significance. Review status: criteria provided, multiple submitters, no conflicts (2 of 4 stars). 2 submissions from 2 submitters: Uncertain significance (2). Last evaluated 2025-11-22.

Conditions:
Noonan syndrome 9 (NS9). Identifiers: Orphanet 648, MedGen C4225282, MONDO:0014691, OMIM 616559.
Cardiovascular phenotype. Identifiers: MedGen CN230736.

Submissions (2):

Labcorp Genetics (formerly Invitae), Labcorp
Classification: Uncertain significance for Noonan syndrome 9. Last evaluated: 2025-11-22. Review status: criteria provided, single submitter. Criteria: Invitae Variant Classification Sherloc (09022015). Collection method: clinical testing. Allele origin: germline.
Comment: This sequence change replaces leucine, which is neutral and non-polar, with isoleucine, which is neutral and non-polar, at codon 229 of the SOS2 protein (p.Leu229Ile). This variant is not present in population databases (gnomAD no frequency). This variant has not been reported in the literature in individuals affected with SOS2-related conditions. ClinVar contains an entry for this variant (Variation ID: 2563220). Invitae Evidence Modeling of protein sequence and biophysical properties (such as structural, functional, and spatial information, amino acid conservation, physicochemical variation, residue mobility, and thermodynamic stability) indicates that this missense variant is not expected to disrupt SOS2 protein function with a negative predictive value of 95%. In summary, the available evidence is currently insufficient to determine the role of this variant in disease. Therefore, it has been classified as a Variant of Uncertain Significance.

Ambry Genetics
Classification: Uncertain significance for Cardiovascular phenotype. Last evaluated: 2023-06-01. Review status: criteria provided, single submitter. Criteria: Ambry Variant Classification Scheme 2023. Collection method: clinical testing. Allele origin: germline.
Comment: The p.L229I variant (also known as c.685C>A), located in coding exon 5 of the SOS2 gene, results from a C to A substitution at nucleotide position 685. The leucine at codon 229 is replaced by isoleucine, an amino acid with highly similar properties. This amino acid position is conserved. In addition, this alteration is predicted to be tolerated by in silico analysis. Since supporting evidence is limited at this time, the clinical significance of this alteration remains unclear.

NM_006939.4(SOS2):c.685C>A (p.Leu229Ile)

Gene: SOS2 (SOS Ras/Rho guanine nucleotide exchange factor 2; minus strand). Cytogenetic location: 14q21.3.
Variant type: single nucleotide variant.
Coding change: c.685C>A on transcript NM_006939.4 (MANE Select); coding-DNA position 685, C replaced by A.
Protein change: p.Leu229Ile; replaces leucine 229 with isoleucine.
Molecular consequence: missense variant.
Genome position (GRCh38, 1-based): chr14:50,188,526, G>T on the plus strand (C>A on the coding strand, the complement: SOS2 is on the minus strand). VCF-style: chr14-50188526-G-T. GRCh37 (hg19) VCF-style: chr14-50655244-G-T.
Other names: c.685C>A, p.Leu229Ile (NM_001411020.1); short protein forms L229I.
Identifiers: ClinVar variation 2563220 (VCV002563220.3), dbSNP rs2503133140, ClinGen allele CA389647989.